The following is an entry in ClinVar:

ClinVar aggregate classification (germline): Uncertain significance (1 of 4 stars; one submission).

Conditions:
CEP290-related disorder. Also called: CEP290-related condition; CEP290-related disorders. Identifiers: MedGen CN239314.

Submission:

PreventionGenetics, part of Exact Sciences
Classification: Uncertain significance for CEP290-related condition. Last evaluated: 2025-03-05. Review status: criteria provided, single submitter. Criteria: ACMG Guidelines, 2015. Collection method: clinical testing. Allele origin: germline.
Comment: The CEP290 c.7007G>T variant is predicted to result in the amino acid substitution p.Gly2336Val. To our knowledge, this variant has not been reported in the literature. This variant is reported in 0.0059% of alleles in individuals of Latino descent in gnomAD. At this time, the clinical significance of this variant is uncertain due to the absence of conclusive functional and genetic evidence.

NM_025114.4(CEP290):c.7007G>T (p.Gly2336Val)

Gene: CEP290 (centrosomal protein 290; minus strand). Cytogenetic location: 12q21.32.
Variant type: single nucleotide variant.
Coding change: c.7007G>T on transcript NM_025114.4 (MANE Select); coding-DNA position 7007, G replaced by T.
Protein change: p.Gly2336Val; replaces glycine 2336 with valine.
Molecular consequence: missense variant.
Genome position (GRCh38, 1-based): chr12:88,054,367, C>A on the plus strand (G>T on the coding strand, the complement: CEP290 is on the minus strand). VCF-style: chr12-88054367-C-A. GRCh37 (hg19) VCF-style: chr12-88448144-C-A.
Other names: short protein forms G2336V.
Identifiers: ClinVar variation 4997894 (VCV004997894.1).
Genomic context (GRCh38, chr12:88,054,367, plus strand): 5'-AAAACAAAGTAGTCATATGAATACATGATGTACCTAAGAACTTGAAGCTCCCGTTTAAGG[C>A]CTTGCTCTGTCTCAGCACCTTCAGGAACATGTTTAAGAATCTTAATCTTTGAGGACAATG-3'
Protein context (NP_079390.3, residues 2326-2346): HVPEGAETEQ[Gly2336Val]LKRELQVLRL